The following is an entry in ClinVar:

ClinVar aggregate classification (germline): Uncertain significance. Review status: criteria provided, multiple submitters, no conflicts (2 of 4 stars). 2 submissions from 2 submitters: Uncertain significance (2). Last evaluated 2025-09-10.

Conditions:
ARSB-related disorder. Also called: ARSB-related condition.
Inborn genetic diseases. Identifiers: MedGen C0950123, MeSH D030342.

gnomAD v4.1: 11 of 1,614,168 alleles (0.00068%); highest among the groups gnomAD compares: Admixed American, 0.01%; 1 homozygote.

Submissions (2):

PreventionGenetics, part of Exact Sciences
Classification: Uncertain significance for ARSB-related condition. Last evaluated: 2025-09-10. Review status: criteria provided, single submitter. Criteria: ACMG Guidelines, 2015. Collection method: clinical testing. Allele origin: germline.
Comment: The ARSB c.1391C>T variant is predicted to result in the amino acid substitution p.Ser464Leu. To our knowledge, this variant has not been reported in the literature. This variant is reported in 0.014% of alleles in individuals of Latino descent in gnomAD. At this time, the clinical significance of this variant is uncertain due to the absence of conclusive functional and genetic evidence.

Ambry Genetics
Classification: Uncertain significance for Inborn genetic diseases. Last evaluated: 2025-05-26. Review status: criteria provided, single submitter. Criteria: Ambry Variant Classification Scheme 2023. Collection method: clinical testing. Allele origin: germline.

NM_000046.5(ARSB):c.1391C>T (p.Ser464Leu)

Gene: ARSB (arylsulfatase B; minus strand). Cytogenetic location: 5q14.1.
Variant type: single nucleotide variant.
Coding change: c.1391C>T on transcript NM_000046.5 (MANE Select); coding-DNA position 1391, C replaced by T.
Protein change: p.Ser464Leu; replaces serine 464 with leucine.
Molecular consequence: missense variant.
Genome position (GRCh38, 1-based): chr5:78,780,608, G>A on the plus strand (C>T on the coding strand, the complement: ARSB is on the minus strand). VCF-style: chr5-78780608-G-A. GRCh37 (hg19) VCF-style: chr5-78076431-G-A.
Other names: short protein forms S464L.
Identifiers: ClinVar variation 3949076 (VCV003949076.2).